The following is an entry in ClinVar:

ClinVar aggregate classification (germline): Conflicting classifications of pathogenicity. Review status: criteria provided, conflicting classifications (1 of 4 stars). 6 submissions from 6 submitters: Uncertain significance (3); Likely benign (2). 1 of the submissions does not count toward it. Last evaluated 2025-08-07.

Conditions:
Familial sleep-related hypermotor epilepsy. Also called: Autosomal Dominant Sleep-Related Hypermotor (Hyperkinetic) Epilepsy. Identifiers: Orphanet 98784, MedGen C3696898, MONDO:0000030.
Inborn genetic diseases. Identifiers: MedGen C0950123, MeSH D030342.
Tobacco use disorder. Identifiers: MedGen C0040336.
Amyotrophic lateral sclerosis (ALS). Also called: Charcot disease; Lou Gehrig disease. Identifiers: Orphanet 803, MedGen C0002736, MONDO:0004976, HP:0007354.

Allele frequency attached by ClinVar (database versions not stated): gnomAD 0.00003 and 0.00004; ExAC 0.00006; 1000 Genomes Project 30x 0.00016; TOPMed 0.00001; 1000 Genomes Project 0.00020.

Submissions (6):

Labcorp Genetics (formerly Invitae), Labcorp
Classification: Likely benign. Last evaluated: 2025-08-07. Review status: criteria provided, single submitter. Criteria: Invitae Variant Classification Sherloc (09022015). Collection method: clinical testing. Allele origin: germline.

Women's Health and Genetics/Laboratory Corporation of America, LabCorp
Classification: Uncertain significance. Last evaluated: 2024-08-19. Review status: criteria provided, single submitter. Criteria: LabCorp Variant Classification Summary - May 2015. Collection method: clinical testing. Allele origin: germline.
Comment: Variant summary: CHRNA4 c.442C>T (p.Arg148Trp) results in a non-conservative amino acid change located in the Neurotransmitter-gated ion-channel ligand-binding domain (IPR006202) of the encoded protein sequence. Five of five in-silico tools predict a damaging effect of the variant on protein function. The variant allele was found at a frequency of 4e-05 in 250556 control chromosomes. This frequency is not significantly higher than estimated for a pathogenic variant in CHRNA4 causing Epilepsy, Nocturnal Frontal Lobe, Type 1, allowing no conclusion about variant significance. c.442C>T has been reported in the literature as a heterozygous de-novo variant classified as "uncertain" in one individual affected with a combined co-occurring neurological manifestation of multifocal dystonia undergoing diagnostic exome sequencing (DES) (example, Powis_2020). However, this individual also harbored a second de-novo heterozygous variant in the NACC1 gene, c.892C>T (p.R298W) that the authors report as "likely pathogenic" without evidence for independent evaluation. Due to this finding of potentially relevant findings in multiple genes, this report does not provide unequivocal conclusions about association of the variant with Epilepsy, Nocturnal Frontal Lobe, Type 1. To our knowledge, no experimental evidence demonstrating an impact on protein function has been reported. The following publications have been ascertained in the context of this evaluation (PMID: 31628766, 32579787). ClinVar contains an entry for this variant (Variation ID: 98324). Based on the evidence outlined above, the variant was classified as uncertain significance.

Suna and Inan Kirac Foundation Neurodegeneration Research Laboratory, Koc University
Classification: Likely benign for Amyotrophic lateral sclerosis. Last evaluated: 2020-03-31. Review status: criteria provided, single submitter. Criteria: ACMG Guidelines, 2015. Collection method: research. Allele origin: germline. Affected: yes. Observed: 1 variant allele.

Ambry Genetics
Classification: Uncertain significance for Inborn genetic diseases. Last evaluated: 2017-02-06. Review status: criteria provided, single submitter. Criteria: Ambry exome assertion method (8-5-2015). Collection method: clinical testing. Allele origin: germline. Affected: yes. Observed: 1 variant allele.

GeneDx
Classification: Uncertain significance. Last evaluated: 2013-09-25. Review status: criteria provided, single submitter. Criteria: GeneDx Variant Classification (06012015). Collection method: clinical testing. Allele origin: germline. Affected: yes.
Comment: p.Arg148Trp (CGG>TGG): c.442 C>T: The Arg148Trp missense change has not been published as a mutation, nor has it been reported as a benign polymorphism to our knowledge. It was not observed in approximately 6,500 individuals of European and African American ancestry in the NHLBI Exome Sequencing Project, indicating it is not a common benign variant in these populations. This variant is a non-conservative amino acid substitution of a positively charged Arginine residue with an uncharged Tryptophan residue at a position that is conserved across species. In silico analysis predicts this variant may be damaging to the protein structure/function. However, this amino acid substitution does not occur within the transmembrane region of the protein, where the vast majority of pathogenic missense mutations have been identified in association with epilepsy (Steinlein et al., 2010). The Arg148Trp variant may be a benign variant or a disease-associated mutation, as mutations in CHRNA4 demonstrate incomplete penetrance (Hirose and Kurahashi, 2012). The variant is found in EPILEPSY panel(s).

Psychiatry Genetics Yale University
No classification provided. Review status: no classification provided. Collection method: not provided. Allele origin: somatic. Not counted in ClinVar's aggregate classification.

Literature cited by the submitters: PubMed 31628766 (cited by Women's Health and Genetics/Laboratory Corporation of America, LabCorp); PubMed 32579787 (cited by Women's Health and Genetics/Laboratory Corporation of America, LabCorp).

NM_000744.7(CHRNA4):c.442C>T (p.Arg148Trp)

Gene: CHRNA4 (cholinergic receptor nicotinic alpha 4 subunit; minus strand). Cytogenetic location: 20q13.33.
Variant type: single nucleotide variant.
Coding change: c.442C>T on transcript NM_000744.7 (MANE Select); coding-DNA position 442, C replaced by T.
Protein change: p.Arg148Trp; replaces arginine 148 with tryptophan.
Molecular consequence: missense variant. On other transcripts: 5 prime UTR variant (1), non-coding transcript variant (1).
Genome position (GRCh38, 1-based): chr20:63,350,969, G>A on the plus strand (C>T on the coding strand, the complement: CHRNA4 is on the minus strand). VCF-style: chr20-63350969-G-A. GRCh37 (hg19) VCF-style: chr20-61982321-G-A.
Other names: p.R148W:CGG>TGG; c.-87C>T (NM_001256573.2); short protein forms R148W.
Identifiers: ClinVar variation 98324 (VCV000098324.16), dbSNP rs121912243, ClinGen allele CA150428.
Genomic context (GRCh38, chr20:63,350,969, plus strand): 5'-AGAAGGTGACGTCGATGCTGCAGGAGCTCTTGTAAATGGCCGGGGGAGTCCACTGCACCC[G>A]CCCGTCATGGAACAGGTGGGCCTTGGTCAGGTGGGTGACCGCGAAGTCCCCGTCAGCACT-3'
Protein context (NP_000735.1, residues 138-158): LTKAHLFHDG[Arg148Trp]VQWTPPAIYK